The following is an entry in ClinVar:

ClinVar aggregate classification (germline): Uncertain significance (1 of 4 stars; one submission).

Allele frequency attached by ClinVar (database versions not stated): TOPMed below 0.00001; ExAC 0.00002.
gnomAD v4.1: 2 of 1,613,188 alleles (0.00012%); highest among the groups gnomAD compares: Admixed American, 0.0033%; no homozygotes.

Submission:

Labcorp Genetics (formerly Invitae), Labcorp
Classification: Uncertain significance. Last evaluated: 2022-06-13. Review status: criteria provided, single submitter. Criteria: Invitae Variant Classification Sherloc (09022015). Collection method: clinical testing. Allele origin: germline.
Comment: This sequence change replaces glutamic acid, which is acidic and polar, with aspartic acid, which is acidic and polar, at codon 252 of the CDT1 protein (p.Glu252Asp). In summary, the available evidence is currently insufficient to determine the role of this variant in disease. Therefore, it has been classified as a Variant of Uncertain Significance. Algorithms developed to predict the effect of missense changes on protein structure and function (SIFT, PolyPhen-2, Align-GVGD) all suggest that this variant is likely to be tolerated. This variant has not been reported in the literature in individuals affected with CDT1-related conditions. This variant is present in population databases (rs760579130, gnomAD 0.009%).

NM_030928.4(CDT1):c.756G>C (p.Glu252Asp)

Gene: CDT1 (chromatin licensing and DNA replication factor 1; plus strand). Cytogenetic location: 16q24.3.
Variant type: single nucleotide variant.
Coding change: c.756G>C on transcript NM_030928.4 (MANE Select); coding-DNA position 756, G replaced by C.
Protein change: p.Glu252Asp; replaces glutamic acid 252 with aspartic acid.
Molecular consequence: missense variant.
Genome position (GRCh38, 1-based): chr16:88,805,793, G>C. VCF-style: chr16-88805793-G-C. GRCh37 (hg19) VCF-style: chr16-88872201-G-C.
Other names: short protein forms E252D.
Identifiers: ClinVar variation 2181837 (VCV002181837.4), dbSNP rs760579130, ClinGen allele CA8233807.